The following is an entry in ClinVar:

ClinVar aggregate classification (germline): Benign (1 of 4 stars; one submission).

Submission:

CeGaT Center for Human Genetics Tuebingen
Classification: Benign. Last evaluated: 2022-06-01. Review status: criteria provided, single submitter. Criteria: CeGaT Center For Human Genetics Tuebingen Variant Classification Criteria Version 2. Collection method: clinical testing. Allele origin: germline. Affected: yes. Observed: 1 variant allele.
Comment: SET: BS1, BS2

NM_003011.4(SET):c.810+65TA[11]

Gene: SET (SET nuclear proto-oncogene; plus strand). Cytogenetic location: 9q34.11.
Variant type: Microsatellite.
Coding change: c.810+65TA[11] on transcript NM_003011.4 (MANE Select); 11 copies in a row of the 2-base unit TA starting at c.810+65; the reference has eight copies in a row; three copies, 6 bases duplicated.
Molecular consequence: intron variant.
Genome position (GRCh38, 1-based): chr9:128,694,117-128,694,122, TATATA duplicated; duplicating any 6 consecutive bases within chr9:128,694,107-128,694,122 gives the same sequence; the position shown is the placement nearest the transcript's 3' end. VCF-style (leftmost placement, unchanged base first): chr9-128694106-G-GTATATA. GRCh37 (hg19) VCF-style: chr9-131456385-G-GTATATA.
Other names: c.849+65TA[11] (NM_001374326.1, NM_001122821.2); c.783+65TA[11] (NM_001248000.2); c.777+65TA[11] (NM_001248001.2).
Identifiers: ClinVar variation 1695269 (VCV001695269.31), dbSNP rs10637043, ClinGen allele CA590942009.